The following is an entry in ClinVar:

NM_005068.3(SIM1):c.1658A>T (p.Gln553Leu)

Gene: SIM1 (SIM bHLH transcription factor 1; minus strand). Cytogenetic location: 6q16.3.
Variant type: single nucleotide variant.
Coding change: c.1658A>T on transcript NM_005068.3 (MANE Select); coding-DNA position 1658, A replaced by T.
Protein change: p.Gln553Leu; replaces glutamine 553 with leucine.
Molecular consequence: missense variant.
Genome position (GRCh38, 1-based): chr6:100,391,004, T>A on the plus strand (A>T on the coding strand, the complement: SIM1 is on the minus strand). VCF-style: chr6-100391004-T-A. GRCh37 (hg19) VCF-style: chr6-100838880-T-A.
Other names: c.1658A>T, p.Gln553Leu (NM_001374769.1); short protein forms Q553L.
Identifiers: ClinVar variation 3625741 (VCV003625741.2).

ClinVar aggregate classification (germline): Uncertain significance (1 of 4 stars; one submission).

gnomAD v4.1: 1 of 1,614,152 alleles (0.000062%); highest among the groups gnomAD compares: Admixed American, 0.0017%; no homozygotes.

Submission:

Labcorp Genetics (formerly Invitae), Labcorp
Classification: Uncertain significance. Last evaluated: 2024-12-02. Review status: criteria provided, single submitter. Criteria: Invitae Variant Classification Sherloc (09022015). Collection method: clinical testing. Allele origin: germline.
Comment: This sequence change replaces glutamine, which is neutral and polar, with leucine, which is neutral and non-polar, at codon 553 of the SIM1 protein (p.Gln553Leu). This variant is present in population databases (no rsID available, gnomAD 0.003%). This variant has not been reported in the literature in individuals affected with SIM1-related conditions. An algorithm developed to predict the effect of missense changes on protein structure and function (PolyPhen-2) suggests that this variant is likely to be tolerated. In summary, the available evidence is currently insufficient to determine the role of this variant in disease. Therefore, it has been classified as a Variant of Uncertain Significance.